The following is an entry in ClinVar:

ClinVar aggregate classification (germline): Uncertain significance (1 of 4 stars; one submission).

Conditions:
Arginase deficiency. Also called: ARGININEMIA; ARG1 DEFICIENCY; Arginase 1 Deficiency. Identifiers: Orphanet 90, MedGen C0268548, MONDO:0008814, OMIM 207800.

gnomAD v4.1: 2 of 1,614,006 alleles (0.00012%); highest among the groups gnomAD compares: Admixed American, 0.0017%; no homozygotes.

Submission:

Labcorp Genetics (formerly Invitae), Labcorp
Classification: Uncertain significance for Arginase deficiency. Last evaluated: 2022-06-22. Review status: criteria provided, single submitter. Criteria: Invitae Variant Classification Sherloc (09022015). Collection method: clinical testing. Allele origin: germline.
Comment: In summary, the available evidence is currently insufficient to determine the role of this variant in disease. Therefore, it has been classified as a Variant of Uncertain Significance. Algorithms developed to predict the effect of missense changes on protein structure and function are either unavailable or do not agree on the potential impact of this missense change (SIFT: "Deleterious"; PolyPhen-2: "Probably Damaging"; Align-GVGD: "Class C0"). This variant has not been reported in the literature in individuals affected with ARG1-related conditions. This variant is present in population databases (no rsID available, gnomAD 0.003%). This sequence change replaces proline, which is neutral and non-polar, with leucine, which is neutral and non-polar, at codon 280 of the ARG1 protein (p.Pro280Leu).

NM_000045.4(ARG1):c.839C>T (p.Pro280Leu)

Genes: ARG1 (arginase 1; plus strand), MED23 (mediator complex subunit 23; minus strand). Cytogenetic location: 6q23.2.
Variant type: single nucleotide variant.
Coding change: c.839C>T on transcript NM_000045.4 (MANE Select); coding-DNA position 839, C replaced by T.
Protein change: p.Pro280Leu; replaces proline 280 with leucine.
Molecular consequence: missense variant. On other transcripts: non-coding transcript variant (1), intron variant (2).
Genome position (GRCh38, 1-based): chr6:131,583,778, C>T. VCF-style: chr6-131583778-C-T. GRCh37 (hg19) VCF-style: chr6-131904918-C-T.
Other names: c.863C>T, p.Pro288Leu (NM_001244438.2); c.584C>T, p.Pro195Leu (NM_001369020.1); c.4077+3931G>A (NM_001270521.2); c.4095+3931G>A (NM_015979.4); short protein forms P288L, P195L, P280L.
Identifiers: ClinVar variation 2009420 (VCV002009420.4), dbSNP rs1473029048, ClinGen allele CA365653558.